The following is an entry in ClinVar:

ClinVar aggregate classification (germline): Pathogenic (1 of 4 stars; one submission).

Conditions:
Inborn genetic diseases. Identifiers: MedGen C0950123, MeSH D030342.

Submission:

Ambry Genetics
Classification: Pathogenic for Inborn genetic diseases. Last evaluated: 2025-07-08. Review status: criteria provided, single submitter. Criteria: Ambry Variant Classification Scheme 2023. Collection method: clinical testing. Allele origin: germline.
Comment: The c.4389delT alteration, located in exon 24 (coding exon 23) of the SCN2A gene, consists of a deletion of one nucleotide at position 4389, causing a translational frameshift with a predicted alternate stop codon after 3 amino acids. This alteration is expected to result in loss of function by premature protein truncation or nonsense-mediated mRNA decay. for SCN2A-related neurodevelopmental disorder; however, its clinical significance for SCN2A-related developmental and epileptic encephalopathy and SCN2A-related benign familial infantile seizures is uncertain. This variant was not reported in population-based cohorts in the Genome Aggregation Database (gnomAD). Based on the available evidence, this alteration is classified as pathogenic.

NM_001040142.2(SCN2A):c.4389del (p.Phe1463fs)

Gene: SCN2A (sodium voltage-gated channel alpha subunit 2; plus strand). Cytogenetic location: 2q24.3.
Variant type: Deletion.
Coding change: c.4389del on transcript NM_001040142.2 (MANE Select); coding-DNA position 4389, one base deleted (T; older notation c.4389delT).
Protein change: p.Phe1463fs; shifts the reading frame from phenylalanine 1463.
Molecular consequence: frameshift variant.
Genome position (GRCh38, 1-based): chr2:165,380,672, T deleted; the last of 3 consecutive T bases (chr2:165,380,670-165,380,672); deleting any one gives the same sequence. VCF-style (leftmost placement, unchanged base first): chr2-165380669-CT-C. GRCh37 (hg19) VCF-style: chr2-166237179-CT-C.
Other names: c.4389del, p.Phe1463fs (NM_001040143.2, NM_001371246.1, NM_001371247.1 and 1 more transcripts); short protein forms F1463fs.
Identifiers: ClinVar variation 4160594 (VCV004160594.1).